The following is an entry in ClinVar:

NM_000228.3(LAMB3):c.2768_2769del (p.Thr923fs)

Gene: LAMB3 (laminin subunit beta 3; minus strand). Cytogenetic location: 1q32.2.
Variant type: Microsatellite.
Coding change: c.2768_2769del on transcript NM_000228.3 (MANE Select); coding-DNA positions 2768 to 2769, 2 bases deleted (CA; older notation c.2768_2769delCA).
Protein change: p.Thr923fs; shifts the reading frame from threonine 923.
Molecular consequence: frameshift variant.
Genome position (GRCh38, 1-based): chr1:209,618,592-209,618,593, TG deleted on the plus strand (CA on the coding strand, the reverse complement: LAMB3 is on the minus strand); deleting any 2 consecutive bases within chr1:209,618,592-209,618,595 gives the same sequence; the c. name uses the placement nearest the transcript's 3' end. VCF-style (leftmost placement, unchanged base first): chr1-209618591-CTG-C. GRCh37 (hg19) VCF-style: chr1-209791936-CTG-C.
Other names: c.2768_2769del, p.Thr923fs (NM_001017402.2, NM_001127641.1); short protein forms T923fs.
Identifiers: ClinVar variation 595836 (VCV000595836.8), dbSNP rs1558148080, ClinGen allele CA913189882.

ClinVar aggregate classification (germline): Pathogenic. Review status: criteria provided, multiple submitters, no conflicts (2 of 4 stars). 2 submissions from 2 submitters: Pathogenic (2). Last evaluated 2024-01-04.

Submissions (2):

Labcorp Genetics (formerly Invitae), Labcorp
Classification: Pathogenic. Last evaluated: 2024-01-04. Review status: criteria provided, single submitter. Criteria: Invitae Variant Classification Sherloc (09022015). Collection method: clinical testing. Allele origin: germline.
Comment: This sequence change creates a premature translational stop signal (p.Thr923Argfs*11) in the LAMB3 gene. It is expected to result in an absent or disrupted protein product. Loss-of-function variants in LAMB3 are known to be pathogenic (PMID: 11023379, 16473856). This variant is not present in population databases (gnomAD no frequency). This variant has not been reported in the literature in individuals affected with LAMB3-related conditions. For these reasons, this variant has been classified as Pathogenic.

Eurofins Ntd Llc (ga)
Classification: Pathogenic. Last evaluated: 2018-01-25. Review status: criteria provided, single submitter. Criteria: EGL Classification Definitions 2015. Collection method: clinical testing. Allele origin: germline. Observed: 1 variant allele, 1 heterozygote.

Literature cited by the submitters: PubMed 11023379 (cited by Labcorp Genetics (formerly Invitae), Labcorp); PubMed 16473856 (cited by Labcorp Genetics (formerly Invitae), Labcorp).